The following is an entry in ClinVar:

ClinVar aggregate classification (germline): Pathogenic. Review status: criteria provided, multiple submitters, no conflicts (2 of 4 stars). 5 submissions from 5 submitters: Pathogenic (5). Last evaluated 2023-10-24.

Conditions:
Hereditary cancer-predisposing syndrome. Also called: Tumor predisposition; Hereditary Cancer Syndrome; Neoplastic Syndromes, Hereditary; Hereditary neoplastic syndrome. Identifiers: Orphanet 140162, MedGen C0027672, MeSH D009386, MONDO:0015356.
BAP1-related tumor predisposition syndrome (TPDS1). Also called: Tumor susceptibility linked to germline BAP1 mutations; BAP1 tumor predisposition syndrome; COMMON Syndrome; TUMOR PREDISPOSITION SYNDROME 1. Identifiers: Orphanet 289539, MedGen C3280492, MONDO:0013692, OMIM 614327.

Submissions (5):

Myriad Genetics, Inc.
Classification: Pathogenic for BAP1-related tumor predisposition syndrome. Last evaluated: 2023-10-24. Review status: criteria provided, single submitter. Criteria: Myriad Autosomal Dominant, Autosomal Recessive and X-Linked Classification Criteria (2023). Collection method: clinical testing. Allele origin: unknown.
Comment: This variant is considered pathogenic. This variant creates a frameshift predicted to result in premature protein truncation.

Labcorp Genetics (formerly Invitae), Labcorp
Classification: Pathogenic for BAP1-related tumor predisposition syndrome. Last evaluated: 2023-03-16. Review status: criteria provided, single submitter. Criteria: Invitae Variant Classification Sherloc (09022015). Collection method: clinical testing. Allele origin: germline.
Comment: For these reasons, this variant has been classified as Pathogenic. ClinVar contains an entry for this variant (Variation ID: 822865). This premature translational stop signal has been observed in individual(s) with clinical features of BAP1 tumor predisposition syndrome (PMID: 29754391). This variant is not present in population databases (gnomAD no frequency). This sequence change creates a premature translational stop signal (p.Arg300Glyfs*6) in the BAP1 gene. It is expected to result in an absent or disrupted protein product. Loss-of-function variants in BAP1 are known to be pathogenic (PMID: 21874000, 23684012).

Ambry Genetics
Classification: Pathogenic for Hereditary cancer-predisposing syndrome. Last evaluated: 2022-03-27. Review status: criteria provided, single submitter. Criteria: Ambry Variant Classification Scheme 2023. Collection method: clinical testing. Allele origin: germline.
Comment: The c.898_899delAG pathogenic mutation, located in coding exon 10 of the BAP1 gene, results from a deletion of two nucleotides at nucleotide positions 898 to 899, causing a translational frameshift with a predicted alternate stop codon (p.R300Gfs*6). This alteration is expected to result in loss of function by premature protein truncation or nonsense-mediated mRNA decay. As such, this alteration is interpreted as a disease-causing mutation.

Department of Molecular Diagnostics, Institute of Oncology Ljubljana
Classification: Pathogenic for BAP1-related tumor predisposition syndrome. Last evaluated: 2020-04-02. Review status: criteria provided, single submitter. Criteria: ACMG Guidelines, 2015. Collection method: clinical testing. Allele origin: germline. Affected: yes.

Color Diagnostics, LLC DBA Color Health
Classification: Pathogenic for Hereditary cancer-predisposing syndrome. Last evaluated: 2019-07-22. Review status: criteria provided, single submitter. Criteria: ACMG Guidelines, 2015. Collection method: clinical testing. Allele origin: germline.
Comment: This variant deletes 2 nucleotides in exon 10 of the BAP1 gene, creating a frameshift and premature translation stop signal. This variant is expected to result in an absent or non-functional protein product. Computational splicing tools suggest that this variant may not impact RNA splicing. To our knowledge, functional assays have not been performed for this variant nor has this variant been reported in individuals affected with hereditary cancer in the literature. This variant has not been identified in the general population by the Genome Aggregation Database (gnomAD). Loss of BAP1 function is a known mechanism of disease. Based on available evidence, this variant is classified as Pathogenic.

Literature cited by the submitters: PubMed 29754391 (cited by Labcorp Genetics (formerly Invitae), Labcorp and Ambry Genetics); PubMed 21874000 (cited by Labcorp Genetics (formerly Invitae), Labcorp); PubMed 23684012 (cited by Labcorp Genetics (formerly Invitae), Labcorp); PubMed 28560743 (cited by Ambry Genetics).

NM_004656.4(BAP1):c.898_899del (p.Arg300fs)

Gene: BAP1 (BRCA1 associated deubiquitinase 1; minus strand). Cytogenetic location: 3p21.1.
Variant type: Deletion.
Coding change: c.898_899del on transcript NM_004656.4 (MANE Select); coding-DNA positions 898 to 899, 2 bases deleted (AG; older notation c.898_899delAG).
Protein change: p.Arg300fs; shifts the reading frame from arginine 300.
Molecular consequence: frameshift variant.
Genome position (GRCh38, 1-based): chr3:52,405,797-52,405,798, CT deleted on the plus strand (AG on the coding strand, the reverse complement: BAP1 is on the minus strand). VCF-style (leftmost placement, unchanged base first): chr3-52405796-CCT-C. GRCh37 (hg19) VCF-style: chr3-52439812-CCT-C.
Other names: c.898_899delAG (NM_004656.3); short protein forms R300fs.
Identifiers: ClinVar variation 822865 (VCV000822865.16), dbSNP rs1578224341, ClinGen allele CA915942497.
Genomic context (GRCh38, chr3:52,405,796, plus strand): 5'-TCCACAAGAGGTCCCAAACCCCCCAGTACCTGTGTGGTTGCCCTCAGAGGCTGCAGGGGC[CCT>C]GTTTGCTTCCAGCACCAGCGGGGACTTGTTGCTGGCTGACTTGGACTCCTCAGGCAGCTG-3'